The following is an entry in ClinVar:

ClinVar aggregate classification (germline): Conflicting classifications of pathogenicity. Review status: criteria provided, conflicting classifications (1 of 4 stars). 5 submissions from 4 submitters: Uncertain significance (3); Benign (1); Likely benign (1). Last evaluated 2025-09-26.

Conditions:
Hypercholesterolemia, autosomal dominant, type B (FHCL2). Also called: Familial hypercholesterolemia 2; Familial Hypercholesterolemia Type B; APOLIPOPROTEIN B-100, FAMILIAL DEFECTIVE; APOLIPOPROTEIN B-100, FAMILIAL LIGAND-DEFECTIVE; HYPERCHOLESTEROLEMIA, FAMILIAL, DUE TO LIGAND-DEFECTIVE APOLIPOPROTEIN B; APOB-Related Familial Hypercholesterolemia, Autosomal Dominant. Identifiers: MedGen C1704417, MONDO:0007751, OMIM 144010.
Familial hypobetalipoproteinemia 1. Also called: Hypobetalipoproteinemia, normotriglyceridemic; Acanthocytosis with hypobetalipoproteinemia; APOB-Related Familial Hypobetalipoproteinemia. Identifiers: MedGen C4551990, MONDO:0014252, OMIM 615558.
Cardiovascular phenotype. Identifiers: MedGen CN230736.

Allele frequency attached by ClinVar (database versions not stated): TOPMed 0.00003; ExAC 0.00007; gnomAD exomes 0.00007 and 0.00010; 1000 Genomes Project 0.00040; 1000 Genomes Project 30x 0.00047.
gnomAD v4.1: 161 of 1,613,854 alleles (0.01%); highest among the groups gnomAD compares: East Asian, 0.018%; no homozygotes.

Submissions (5):

Ambry Genetics
Classification: Benign for Cardiovascular phenotype. Last evaluated: 2025-09-26. Review status: criteria provided, single submitter. Criteria: Ambry Variant Classification Scheme 2023. Collection method: clinical testing. Allele origin: germline.

Labcorp Genetics (formerly Invitae), Labcorp
Classification: Likely benign for Familial hypobetalipoproteinemia 1; Hypercholesterolemia, autosomal dominant, type B. Last evaluated: 2025-09-24. Review status: criteria provided, single submitter. Criteria: Invitae Variant Classification Sherloc (09022015). Collection method: clinical testing. Allele origin: germline.

Quest Diagnostics Nichols Institute San Juan Capistrano
Classification: Uncertain significance. Last evaluated: 2023-01-16. Review status: criteria provided, single submitter. Criteria: Quest Diagnostics criteria. Collection method: clinical testing. Allele origin: unknown.
Comment: To the best of our knowledge, the variant has not been reported in the published literature. The frequency of this variant in the general population, 0.00055 (8/14424 chromosomes), is uninformative in assessment of its pathogenicity. Analysis of this variant using bioinformatics tools for the prediction of the effect of amino acid changes on protein structure and function yielded conflicting predictions that this variant is benign or damaging. Based on the available information, we are unable to determine the clinical significance of this variant.

Illumina Laboratory Services, Illumina
Classification: Uncertain significance for Hypercholesterolemia, autosomal dominant, type B. Last evaluated: 2018-01-13. Review status: criteria provided, single submitter. Criteria: ICSL Variant Classification Criteria 13 December 2019. Collection method: clinical testing. Allele origin: germline.

Illumina Laboratory Services, Illumina
Classification: Uncertain significance for Familial hypobetalipoproteinemia 1. Last evaluated: 2018-01-13. Review status: criteria provided, single submitter. Criteria: ICSL Variant Classification Criteria 13 December 2019. Collection method: clinical testing. Allele origin: germline.

NM_000384.3(APOB):c.11443G>A (p.Val3815Met)

Gene: APOB (apolipoprotein B; minus strand). Cytogenetic location: 2p24.1.
Variant type: single nucleotide variant.
Coding change: c.11443G>A on transcript NM_000384.3 (MANE Select); coding-DNA position 11443, G replaced by A.
Protein change: p.Val3815Met; replaces valine 3815 with methionine.
Molecular consequence: missense variant.
Genome position (GRCh38, 1-based): chr2:21,005,425, C>T on the plus strand (G>A on the coding strand, the complement: APOB is on the minus strand). VCF-style: chr2-21005425-C-T. GRCh37 (hg19) VCF-style: chr2-21228297-C-T.
Other names: short protein forms V3815M.
Identifiers: ClinVar variation 334099 (VCV000334099.14), dbSNP rs551178628, ClinGen allele CA046639.